The following is an entry in ClinVar:

ClinVar aggregate classification (germline): Conflicting classifications of pathogenicity. Review status: criteria provided, conflicting classifications (1 of 4 stars). 2 submissions from 2 submitters: Uncertain significance (1); Likely benign (1). Last evaluated 2025-08-23.

Allele frequency attached by ClinVar (database versions not stated): gnomAD 0.00001; ESP Exome Variant Server 0.00008; TOPMed 0.00002.
gnomAD v4.1: 41 of 1,613,272 alleles (0.0025%); highest among the groups gnomAD compares: Non-Finnish European, 0.0031%; no homozygotes.

Submissions (2):

Ambry Genetics
Classification: Likely benign. Last evaluated: 2025-08-23. Review status: criteria provided, single submitter. Criteria: Ambry Variant Classification Scheme 2023. Collection method: clinical testing. Allele origin: germline.

Labcorp Genetics (formerly Invitae), Labcorp
Classification: Uncertain significance. Last evaluated: 2025-03-21. Review status: criteria provided, single submitter. Criteria: Invitae Variant Classification Sherloc (09022015). Collection method: clinical testing. Allele origin: germline.
Comment: This sequence change replaces proline, which is neutral and non-polar, with leucine, which is neutral and non-polar, at codon 1341 of the A2ML1 protein (p.Pro1341Leu). This variant is present in population databases (rs376705356, gnomAD 0.004%). This variant has not been reported in the literature in individuals affected with A2ML1-related conditions. ClinVar contains an entry for this variant (Variation ID: 2561819). An algorithm developed to predict the effect of missense changes on protein structure and function outputs the following: PolyPhen-2: "Benign". The leucine amino acid residue is found in multiple mammalian species, which suggests that this missense change does not adversely affect protein function. In summary, the available evidence is currently insufficient to determine the role of this variant in disease. Therefore, it has been classified as a Variant of Uncertain Significance.

NM_144670.6(A2ML1):c.4022C>T (p.Pro1341Leu)

Gene: A2ML1 (alpha-2-macroglobulin like 1; plus strand). Cytogenetic location: 12p13.31.
Variant type: single nucleotide variant.
Coding change: c.4022C>T on transcript NM_144670.6 (MANE Select); coding-DNA position 4022, C replaced by T.
Protein change: p.Pro1341Leu; replaces proline 1341 with leucine.
Molecular consequence: missense variant.
Genome position (GRCh38, 1-based): chr12:8,868,318, C>T. VCF-style: chr12-8868318-C-T. GRCh37 (hg19) VCF-style: chr12-9020914-C-T.
Other names: c.2549C>T, p.Pro850Leu (NM_001282424.3); short protein forms P1341L, P850L.
Identifiers: ClinVar variation 2561819 (VCV002561819.6), dbSNP rs376705356, ClinGen allele CA6436553.